The following is an entry in ClinVar:

ClinVar aggregate classification (germline): Uncertain significance. Review status: criteria provided, multiple submitters, no conflicts (2 of 4 stars). 2 submissions from 2 submitters: Uncertain significance (2). Last evaluated 2025-09-16.

Conditions:
Inborn genetic diseases. Identifiers: MedGen C0950123, MeSH D030342.
PUF60-related disorder. Also called: PUF60-related condition.

Allele frequency attached by ClinVar (database versions not stated): gnomAD exomes below 0.00001; TOPMed below 0.00001; gnomAD 0.00001.
gnomAD v4.1: 3 of 1,613,760 alleles (0.00019%); highest among the groups gnomAD compares: African/African-American, 0.0013%; no homozygotes.

Submissions (2):

PreventionGenetics, part of Exact Sciences
Classification: Uncertain significance for PUF60-related condition. Last evaluated: 2025-09-16. Review status: criteria provided, single submitter. Criteria: ACMG Guidelines, 2015. Collection method: clinical testing. Allele origin: germline.
Comment: The PUF60 c.1570G>C variant is predicted to result in the amino acid substitution p.Glu524Gln. To our knowledge, this variant has not been reported in the literature. This variant is reported in 0.0046% of alleles in individuals of European (Finnish) descent in gnomAD. At this time, the clinical significance of this variant is uncertain due to the absence of conclusive functional and genetic evidence.

Ambry Genetics
Classification: Uncertain significance for Inborn genetic diseases. Last evaluated: 2024-06-17. Review status: criteria provided, single submitter. Criteria: Ambry Variant Classification Scheme 2023. Collection method: clinical testing. Allele origin: germline.
Comment: The c.1570G>C (p.E524Q) alteration is located in exon 12 (coding exon 12) of the PUF60 gene. This alteration results from a G to C substitution at nucleotide position 1570, causing the glutamic acid (E) at amino acid position 524 to be replaced by a glutamine (Q). Based on data from gnomAD, the C allele has an overall frequency of <0.001% (1/249144) total alleles studied. The highest observed frequency was 0.005% (1/21546) of European (Finnish) alleles. This amino acid position is highly conserved in available vertebrate species. This missense alteration is located in a region that has a low rate of benign missense variation (Lek, 2016; Firth, 2009). This alteration is predicted to be tolerated by in silico analysis. Based on insufficient or conflicting evidence, the clinical significance of this alteration remains unclear.

NM_078480.3(PUF60):c.1570G>C (p.Glu524Gln)

Gene: PUF60 (poly(U) binding splicing factor 60; minus strand). Cytogenetic location: 8q24.3.
Variant type: single nucleotide variant.
Coding change: c.1570G>C on transcript NM_078480.3 (MANE Select); coding-DNA position 1570, G replaced by C.
Protein change: p.Glu524Gln; replaces glutamic acid 524 with glutamine.
Molecular consequence: missense variant.
Genome position (GRCh38, 1-based): chr8:143,816,630, C>G on the plus strand (G>C on the coding strand, the complement: PUF60 is on the minus strand). VCF-style: chr8-143816630-C-G. GRCh37 (hg19) VCF-style: chr8-144898800-C-G.
Other names: c.1441G>C, p.Glu481Gln (NM_001136033.3); c.1516G>C, p.Glu506Gln (NM_001271096.2); c.1432G>C, p.Glu478Gln (NM_001271097.2); c.1567G>C, p.Glu523Gln (NM_001271098.2); c.1483G>C, p.Glu495Gln (NM_001271099.2); c.1390G>C, p.Glu464Gln (NM_001271100.2); c.1681G>C, p.Glu561Gln (NM_001362895.2, NM_001362896.2); c.1630G>C, p.Glu544Gln (NM_001362897.2); and 2 more; short protein forms E464Q, E478Q, E481Q, E495Q, E506Q, E507Q, E523Q, E524Q.
Identifiers: ClinVar variation 2637314 (VCV002637314.3), dbSNP rs1222085807, ClinGen allele CA372485037.